The following is an entry in ClinVar:

NM_178138.6(LHX3):c.482G>T (p.Arg161Leu)

Gene: LHX3 (LIM homeobox 3; minus strand). Cytogenetic location: 9q34.3.
Variant type: single nucleotide variant.
Coding change: c.482G>T on transcript NM_178138.6 (MANE Select); coding-DNA position 482, G replaced by T.
Protein change: p.Arg161Leu; replaces arginine 161 with leucine.
Molecular consequence: missense variant.
Genome position (GRCh38, 1-based): chr9:136,199,032, C>A on the plus strand (G>T on the coding strand, the complement: LHX3 is on the minus strand). VCF-style: chr9-136199032-C-A. GRCh37 (hg19) VCF-style: chr9-139090878-C-A.
Other names: c.449G>T, p.Arg150Leu (NM_001363746.1); c.497G>T, p.Arg166Leu (NM_014564.5); short protein forms R150L, R161L, R166L.
Identifiers: ClinVar variation 4082586 (VCV004082586.1).
Genomic context (GRCh38, chr9:136,199,032, plus strand): 5'-TTGGGCGAGGTGTTGTAAGCGCTCTTCAGCGTCTCCAGCTGCTTGGCGGTGATGGTCGTG[C>A]GCGGCCGCTTGGCCGTGGCCTCGGCCTCTGCGCGGCGGGCGAGCGGTGAGGCGCGGCAGC-3'
Protein context (NP_835258.1, residues 151-171): REAEATAKRP[Arg161Leu]TTITAKQLET

ClinVar aggregate classification (germline): Uncertain significance (1 of 4 stars; one submission).

gnomAD v4.1: 14 of 1,579,532 alleles (0.00089%); highest among the groups gnomAD compares: Non-Finnish European, 0.0012%; no homozygotes.

Submission:

GeneDx
Classification: Uncertain significance. Last evaluated: 2025-03-07. Review status: criteria provided, single submitter. Criteria: GeneDx Variant Classification Process June 2021. Collection method: clinical testing. Allele origin: germline. Affected: yes.
Comment: Not observed at significant frequency in large population cohorts (gnomAD); In silico analysis supports that this missense variant has a deleterious effect on protein structure/function; In silico analysis suggests this variant may impact gene splicing. In the absence of RNA/functional studies, the actual effect of this sequence change is unknown.; Has not been previously published as pathogenic or benign to our knowledge